The following is an entry in ClinVar:

ClinVar aggregate classification (germline): Uncertain significance. Review status: criteria provided, single submitter (1 of 4 stars). 2 submissions from 2 submitters: Uncertain significance (1). 1 of the submissions does not count toward it. Last evaluated 2022-03-12.

Conditions:
Microcephaly. Also called: Microcephaly (disease). Identifiers: MedGen C4551563, MONDO:0001149, HP:0000252.

Submissions (2):

Labcorp Genetics (formerly Invitae), Labcorp
Classification: Uncertain significance. Last evaluated: 2022-03-12. Review status: criteria provided, single submitter. Criteria: Invitae Variant Classification Sherloc (09022015). Collection method: clinical testing. Allele origin: germline.
Comment: In summary, the available evidence is currently insufficient to determine the role of this variant in disease. Therefore, it has been classified as a Variant of Uncertain Significance. Experimental studies and prediction algorithms are not available or were not evaluated, and the functional significance of this variant is currently unknown. ClinVar contains an entry for this variant (Variation ID: 813534). This premature translational stop signal has been observed in individual(s) with TUBA8-related conditions (PMID: 31481326). This variant is present in population databases (rs766213612, gnomAD 0.02%). This sequence change creates a premature translational stop signal (p.Asn356Profs*63) in the TUBA8 gene. While this is not anticipated to result in nonsense mediated decay, it is expected to disrupt the last 94 amino acid(s) of the TUBA8 protein.

Department of Pediatrics, Samsung Medical Center, Samsung Medical Center
Classification: Uncertain significance for Microcephaly. Review status: no assertion criteria provided. Criteria: ACMG Guidelines, 2015. Collection method: research. Allele origin: germline. Affected: yes. Not counted in ClinVar's aggregate classification.

Literature cited by the submitters: PubMed 31481326 (cited by Labcorp Genetics (formerly Invitae), Labcorp).

NM_018943.3(TUBA8):c.1065_1069del (p.Asn356fs)

Gene: TUBA8 (tubulin alpha 8; plus strand). Cytogenetic location: 22q11.21.
Variant type: Deletion.
Coding change: c.1065_1069del on transcript NM_018943.3 (MANE Select); coding-DNA positions 1065 to 1069, 5 bases deleted (CAACT; older notation c.1065_1069delCAACT).
Protein change: p.Asn356fs; shifts the reading frame from asparagine 356.
Molecular consequence: frameshift variant.
Genome position (GRCh38, 1-based): chr22:18,130,851-18,130,855, CAACT deleted; deleting any 5 consecutive bases within chr22:18,130,850-18,130,855 gives the same sequence; the c. name uses the placement nearest the transcript's 3' end. VCF-style (leftmost placement, unchanged base first): chr22-18130849-ATCAAC-A. GRCh37 (hg19) VCF-style: chr22-18613616-ATCAAC-A.
Other names: c.867_871del, p.Asn290fs (NM_001193414.2); short protein forms N290fs, N356fs.
Identifiers: ClinVar variation 813534 (VCV000813534.7), dbSNP rs766213612, ClinGen allele CA10093831.